The following is an entry in ClinVar:

NM_002303.6(LEPR):c.1303T>C (p.Ser435Pro)

Gene: LEPR (leptin receptor; plus strand). Cytogenetic location: 1p31.3.
Variant type: single nucleotide variant.
Coding change: c.1303T>C on transcript NM_002303.6 (MANE Select); coding-DNA position 1303, T replaced by C.
Protein change: p.Ser435Pro; replaces serine 435 with proline.
Molecular consequence: missense variant.
Genome position (GRCh38, 1-based): chr1:65,601,860, T>C. VCF-style: chr1-65601860-T-C. GRCh37 (hg19) VCF-style: chr1-66067543-T-C.
Other names: c.1303T>C, p.Ser435Pro (NM_001003679.3, NM_001003680.3, NM_001198687.2 and 2 more transcripts); short protein forms S435P.
Identifiers: ClinVar variation 3355085 (VCV003355085.1).
Genomic context (GRCh38, chr1:65,601,860, plus strand): 5'-GGAGTTTTTGCTTTATATTAATATTTTAATATGTTTCAAATAGATGTCAATATCAATATC[T>C]CATGTGAAACTGATGGGTACTTAACTAAAATGACTTGCAGATGGTCAACCAGTACAATCC-3'
Protein context (NP_002294.2, residues 425-445): LYVIDVNINI[Ser435Pro]CETDGYLTKM

ClinVar aggregate classification (germline): Uncertain significance (0 of 4 stars; one submission).

Conditions:
LEPR-related disorder. Also called: LEPR-related condition; LEPR-related disorders.

gnomAD v4.1: 13 of 1,613,146 alleles (0.00081%); highest among the groups gnomAD compares: Non-Finnish European, 0.0011%; no homozygotes.

Submission:

PreventionGenetics, part of Exact Sciences
Classification: Uncertain significance for LEPR-related condition. Last evaluated: 2024-07-01. Review status: no assertion criteria provided. Collection method: clinical testing. Allele origin: germline.
Comment: The LEPR c.1303T>C variant is predicted to result in the amino acid substitution p.Ser435Pro. This variant was observed in a cohort of individuals with obesity, and in vitro functional studies showed function similar to wild-type levels (Supplemental Data Set, Shah et al. 2023. PubMed ID: 36864747). This variant is reported in 0.00088% of alleles in individuals of European (Non-Finnish) descent in gnomAD. At this time, the clinical significance of this variant is uncertain due to the absence of conclusive functional and genetic evidence.